The following is an entry in ClinVar:

ClinVar aggregate classification (germline): Uncertain significance (1 of 4 stars; one submission).

Submission:

Women's Health and Genetics/Laboratory Corporation of America, LabCorp
Classification: Uncertain significance. Last evaluated: 2025-11-20. Review status: criteria provided, single submitter. Criteria: LabCorp Variant Classification Summary - May 2015. Collection method: clinical testing. Allele origin: germline.
Comment: Variant summary: SHANK3 c.2924C>A (p.Thr975Asn) (also known as c.2963C>A; p.Thr988Asn in RefSeq) results in a non-conservative amino acid change in the encoded protein sequence. Algorithms developed to predict the effect of missense changes on protein structure and function are either unavailable or do not agree on the potential impact of this missense change. The frequency data for this variant in gnomAD is considered unreliable, as metrics indicate poor data quality at this position. To our knowledge, no occurrence of c.2924C>A in individuals affected with SHANK3-related conditions and no experimental evidence demonstrating its impact on protein function have been reported. ClinVar contains an entry for this variant (Variation ID: 3441237). Based on the evidence outlined above, the variant was classified as uncertain significance.

NM_001372044.2(SHANK3):c.2924C>A (p.Pro975His)

Gene: SHANK3 (SH3 and multiple ankyrin repeat domains 3; plus strand). Cytogenetic location: 22q13.33.
Variant type: single nucleotide variant.
Coding change: c.2924C>A on transcript NM_001372044.2 (MANE Select); coding-DNA position 2924, C replaced by A.
Protein change: p.Pro975His; replaces proline 975 with histidine.
Molecular consequence: missense variant.
Genome position (GRCh38, 1-based): chr22:50,720,532, C>A. VCF-style: chr22-50720532-C-A. GRCh37 (hg19) VCF-style: chr22-51158960-C-A.
Other names: short protein forms P975H.
Identifiers: ClinVar variation 4537276 (VCV004537276.1).